The following is an entry in ClinVar:

ClinVar aggregate classification (germline): Likely benign (1 of 4 stars; one submission).

Allele frequency attached by ClinVar (database versions not stated): TOPMed below 0.00001; gnomAD 0.00001; gnomAD exomes 0.00001; ExAC 0.00002.
gnomAD v4.1: 15 of 1,614,020 alleles (0.00093%); highest among the groups gnomAD compares: Admixed American, 0.005%; no homozygotes.

Submission:

CeGaT Center for Human Genetics Tuebingen
Classification: Likely benign. Last evaluated: 2023-02-01. Review status: criteria provided, single submitter. Criteria: CeGaT Center For Human Genetics Tuebingen Variant Classification Criteria Version 2. Collection method: clinical testing. Allele origin: germline. Affected: yes. Observed: 1 variant allele.
Comment: SLC9D1: BP4, BP7

NM_017905.6(SLC9D1):c.243C>T (p.Asp81=)

Gene: SLC9D1 (solute carrier family 9 member D1; plus strand). Cytogenetic location: 13q34.
Variant type: single nucleotide variant.
Coding change: c.243C>T on transcript NM_017905.6 (MANE Select); coding-DNA position 243, C replaced by T.
Protein change: p.Asp81=; no amino-acid change (aspartic acid 81 retained).
Molecular consequence: synonymous variant. On other transcripts: non-coding transcript variant (2).
Genome position (GRCh38, 1-based): chr13:113,495,824, C>T. VCF-style: chr13-113495824-C-T. GRCh37 (hg19) VCF-style: chr13-114150139-C-T.
Other names: c.243C>T, p.Asp81= (NM_001349741.2, NM_001349742.2, NM_001349743.2 and 3 more transcripts).
Identifiers: ClinVar variation 2644011 (VCV002644011.24), dbSNP rs780766558, ClinGen allele CA7064291.